The following is an entry in ClinVar:

ClinVar aggregate classification (germline): Pathogenic. Review status: criteria provided, multiple submitters, no conflicts (2 of 4 stars). 2 submissions from 2 submitters: Pathogenic (2). Last evaluated 2024-05-22.

Conditions:
Retinoblastoma (RB1). Also called: RETINOBLASTOMA, SOMATIC. Identifiers: Orphanet 790, MedGen C0035335, MeSH D012175, MONDO:0008380, OMIM 180200, HP:0009919. Disease mechanism: loss of function. Inheritance: Both sporadic and heritable forms are tested..

Submissions (2):

Labcorp Genetics (formerly Invitae), Labcorp
Classification: Pathogenic for Retinoblastoma. Last evaluated: 2024-05-22. Review status: criteria provided, single submitter. Criteria: Invitae Variant Classification Sherloc (09022015). Collection method: clinical testing. Allele origin: germline.
Comment: This sequence change creates a premature translational stop signal (p.Gln207*) in the RB1 gene. It is expected to result in an absent or disrupted protein product. Loss-of-function variants in RB1 are known to be pathogenic (PMID: 17096365). This variant is not present in population databases (gnomAD no frequency). This premature translational stop signal has been observed in individual(s) with retinoblastoma (PMID: 8776589). ClinVar contains an entry for this variant (Variation ID: 1698927). Algorithms developed to predict the effect of sequence changes on RNA splicing suggest that this variant may disrupt the consensus splice site. For these reasons, this variant has been classified as Pathogenic.

Genetics and Molecular Pathology, SA Pathology
Classification: Pathogenic for Retinoblastoma. Last evaluated: 2021-04-19. Review status: criteria provided, single submitter. Criteria: ACMG Guidelines, 2015. Collection method: clinical testing. Allele origin: germline. Inheritance: Autosomal dominant inheritance. Affected: yes.

Literature cited by the submitters: PubMed 17096365 (cited by Labcorp Genetics (formerly Invitae), Labcorp); PubMed 8776589 (cited by Labcorp Genetics (formerly Invitae), Labcorp).

NM_000321.3(RB1):c.619C>T (p.Gln207Ter)

Gene: RB1 (RB transcriptional corepressor 1; plus strand). Cytogenetic location: 13q14.2.
Variant type: single nucleotide variant.
Coding change: c.619C>T on transcript NM_000321.3 (MANE Select); coding-DNA position 619, C replaced by T.
Protein change: p.Gln207Ter; replaces glutamine 207 with a stop codon.
Molecular consequence: nonsense.
Genome position (GRCh38, 1-based): chr13:48,360,028, C>T. VCF-style: chr13-48360028-C-T. GRCh37 (hg19) VCF-style: chr13-48934164-C-T.
Other names: short protein forms Q207*.
Identifiers: ClinVar variation 1698927 (VCV001698927.5), dbSNP rs2138107604, ClinGen allele CA388158121.